The following is an entry in ClinVar:

NM_007294.4(BRCA1):c.134+7T>C

Gene: BRCA1 (BRCA1 DNA repair associated; minus strand). Cytogenetic location: 17q21.31.
Variant type: single nucleotide variant.
Coding change: c.134+7T>C on transcript NM_007294.4 (MANE Select); 7 bases into the intron after coding-DNA position 134, T replaced by C.
Molecular consequence: intron variant.
Genome position (GRCh38, 1-based): chr17:43,115,719, A>G on the plus strand (T>C on the coding strand, the complement: BRCA1 is on the minus strand). VCF-style: chr17-43115719-A-G. GRCh37 (hg19) VCF-style: chr17-41267736-A-G.
Other names: c.-55+7T>C (NM_001408484.1, NM_001408478.1, NM_001407907.1 and 52 more transcripts); c.134+7T>C (NM_001408450.1, NM_001408434.1, NM_001407672.1 and 191 more transcripts); c.-8+7T>C (NM_001408462.1, NM_001407697.1, NM_001407838.1 and 47 more transcripts); c.-55+8298T>C (NM_001407902.1, NM_001407898.1, NM_001407881.1); c.-124+7T>C (NM_001407724.1, NM_001407746.1, NM_001408468.1 and 13 more transcripts); c.-219+9558T>C (NM_001407967.1); c.-170+9558T>C (NM_001407959.1); c.-7-9186T>C (NM_001407931.1, NM_001407747.1, NM_001408511.1 and 2 more transcripts); and 10 more.
Identifiers: ClinVar variation 868178 (VCV000868178.3), dbSNP rs2055241241, ClinGen allele CA916080994.

Conditions:
Breast-ovarian cancer, familial, susceptibility to, 1 (BROVCA1). Also called: BRCA1 Hereditary Breast and Ovarian Cancer; OVARIAN CANCER, SUSCEPTIBILITY TO. Identifiers: Orphanet 145, MedGen C2676676, MONDO:0011450, OMIM 604370. Disease mechanism: loss of function.

Submission:

Brotman Baty Institute, University of Washington
No classification provided (evidence only). Condition: Breast-ovarian cancer, familial 1. Review status: no classification provided. Collection method: in vitro. Allele origin: not applicable. Functional consequence: functionally_normal.
ClinVar note: "not provided" was previously submitted as the classification for the variant. However, the classification appeared to be based only on an observation of functional data so it was converted to no classification on 2025-07-30.